The following is an entry in ClinVar:

NM_170707.4(LMNA):c.1526dup (p.Thr510fs)

Gene: LMNA (lamin A/C; plus strand). Cytogenetic location: 1q22.
Variant type: Duplication.
Coding change: c.1526dup on transcript NM_170707.4 (MANE Select); coding-DNA position 1526, one base duplicated (C; older notation c.1526dupC).
Protein change: p.Thr510fs; shifts the reading frame from threonine 510.
Molecular consequence: frameshift variant.
Genome position (GRCh38, 1-based): chr1:156,137,150, C duplicated; the last of 6 consecutive C bases (chr1:156,137,145-156,137,150); duplicating any one gives the same sequence. VCF-style (leftmost placement, unchanged base first): chr1-156137144-G-GC. GRCh37 (hg19) VCF-style: chr1-156106935-G-GC.
Other names: c.1526dup (NM_170707.2); c.1526dupC (NM_170707.2); c.1190dup, p.Thr398fs (NM_001257374.3); c.1283dup, p.Thr429fs (NM_001282624.2); c.1526dup, p.Thr510fs (NM_001282625.2, NM_001282626.2, NM_005572.4 and 1 more transcripts); short protein forms T429fs, T398fs, T510fs.
Identifiers: ClinVar variation 48041 (VCV000048041.16), dbSNP rs58013325, ClinGen allele CA017401.

ClinVar aggregate classification (germline): Pathogenic. Review status: criteria provided, multiple submitters, no conflicts (2 of 4 stars). 6 submissions from 5 submitters: Pathogenic (3). 3 of the submissions do not count toward it. Last evaluated 2025-12-30.

Conditions:
Cardiovascular phenotype. Identifiers: MedGen CN230736.
Charcot-Marie-Tooth disease type 2. Also called: Charcot-Marie-Tooth type 2. Identifiers: Orphanet 64746, MedGen C0270914, MONDO:0018993.
Primary dilated cardiomyopathy (DCM). Also called: Dilated Cardiomyopathy. Identifiers: Orphanet 217604, MedGen C0007193, MeSH D002311, MONDO:0005021, HP:0001644. Inheritance: Various modes of inheritance.

Submissions (6):

GeneDx
Classification: Pathogenic. Last evaluated: 2025-12-30. Review status: criteria provided, single submitter. Criteria: GeneDx Variant Classification Process June 2021. Collection method: clinical testing. Allele origin: germline. Affected: yes.
Comment: Reported in association with cardiomyopathy (PMID: 23183350, 27532257, 24503780); Frameshift variant predicted to result in protein truncation or nonsense mediated decay in a gene for which loss-of-function is a known mechanism of disease; Also known as c.ins C1525_6 p.[Pro509fs39X] and c.1526insC or p.Thr510TyrfsX41; This variant is associated with the following publications: (PMID: 21639948, 20848652, 27532257, 24503780, 18926329, 31402444, 23183350, 37652022, 16156018, 23793583)

Labcorp Genetics (formerly Invitae), Labcorp
Classification: Pathogenic for Charcot-Marie-Tooth disease type 2. Last evaluated: 2025-10-29. Review status: criteria provided, single submitter. Criteria: Invitae Variant Classification Sherloc (09022015). Collection method: clinical testing. Allele origin: germline.
Comment: This sequence change creates a premature translational stop signal (p.Thr510Tyrfs*42) in the LMNA gene. It is expected to result in an absent or disrupted protein product. Loss-of-function variants in LMNA are known to be pathogenic (PMID: 18585512, 18926329). This variant is not present in population databases (gnomAD no frequency). This premature translational stop signal has been observed in individual(s) with LMNA-related diseases (PMID: 20848652, 23183350, 23702046, 24503780, 27532257). ClinVar contains an entry for this variant (Variation ID: 48041). For these reasons, this variant has been classified as Pathogenic.

Ambry Genetics
Classification: Pathogenic for Cardiovascular phenotype. Last evaluated: 2021-11-29. Review status: criteria provided, single submitter. Criteria: Ambry Variant Classification Scheme 2023. Collection method: clinical testing. Allele origin: germline.
Comment: The c.1526dupC pathogenic mutation, located in coding exon 9 of the LMNA gene, results from a duplication of C at nucleotide position 1526, causing a translational frameshift with a predicted alternate stop codon (p.T510Yfs*42). This alteration has been reported in several dilated cardiomyopathy (DCM) cohorts and a muscular dystrophy cohort, and it has been shown to segregate with DCM and conduction disease in one family (Scharner J et al. Hum. Mutat. 2011;32:152-67; Saj M et al. BMC Med. Genet. 2013;14:55; Pugh TJ et al. Genet. Med. 2014;16:601-8; Walsh R et al. Genet. Med. 2017;19:192-203). In addition to the clinical data presented in the literature, this alteration is expected to result in loss of function by premature protein truncation or nonsense-mediated mRNA decay. As such, this alteration is interpreted as a disease-causing mutation.

Laboratory for Molecular Medicine, Mass General Brigham Personalized Medicine
Classification: Likely pathogenic for Primary dilated cardiomyopathy. Last evaluated: 2009-12-22. Review status: no assertion criteria provided. Collection method: clinical testing. Allele origin: germline. Observed: 1 variant allele. Not counted in ClinVar's aggregate classification.

Epithelial Biology;  Institute of Medical Biology, Singapore
No classification provided. Review status: no classification provided. Collection method: not provided. Allele origin: not provided. Not counted in ClinVar's aggregate classification.

Epithelial Biology;  Institute of Medical Biology, Singapore
No classification provided. Review status: flagged submission. Collection method: not provided. Allele origin: not provided. Not counted in ClinVar's aggregate classification.
ClinVar note: Reason: This record appears to be redundant with a more recent record from the same submitter.
ClinVar note: Notes: SCV000088430 appears to be redundant with SCV000088431.

Literature cited by the submitters: PubMed 18585512 (cited by Labcorp Genetics (formerly Invitae), Labcorp); PubMed 18926329 (cited by Labcorp Genetics (formerly Invitae), Labcorp); PubMed 20848652 (cited by Labcorp Genetics (formerly Invitae), Labcorp and Ambry Genetics); PubMed 23183350 (cited by Labcorp Genetics (formerly Invitae), Labcorp and Ambry Genetics); PubMed 23702046 (cited by Labcorp Genetics (formerly Invitae), Labcorp and Ambry Genetics); PubMed 24503780 (cited by Labcorp Genetics (formerly Invitae), Labcorp and Ambry Genetics); PubMed 27532257 (cited by Labcorp Genetics (formerly Invitae), Labcorp and Ambry Genetics); PubMed 18646565 (cited by Ambry Genetics); PubMed 16156025 (cited by Laboratory for Molecular Medicine, Mass General Brigham Personalized Medicine).